The following is an entry in ClinVar:

NM_005609.4(PYGM):c.161T>A (p.Phe54Tyr)

Gene: PYGM (glycogen phosphorylase, muscle associated; minus strand). Cytogenetic location: 11q13.1.
Variant type: single nucleotide variant.
Coding change: c.161T>A on transcript NM_005609.4 (MANE Select); coding-DNA position 161, T replaced by A.
Protein change: p.Phe54Tyr; replaces phenylalanine 54 with tyrosine.
Molecular consequence: missense variant.
Genome position (GRCh38, 1-based): chr11:64,759,738, A>T on the plus strand (T>A on the coding strand, the complement: PYGM is on the minus strand). VCF-style: chr11-64759738-A-T. GRCh37 (hg19) VCF-style: chr11-64527210-A-T.
Other names: c.161T>A, p.Phe54Tyr (NM_001164716.1); short protein forms F54Y.
Identifiers: ClinVar variation 2430906 (VCV002430906.5), dbSNP rs375646075, ClinGen allele CA6080356.

ClinVar aggregate classification (germline): Uncertain significance. Review status: criteria provided, multiple submitters, no conflicts (2 of 4 stars). 4 submissions from 4 submitters: Uncertain significance (4). Last evaluated 2025-05-07.

Conditions:
Inborn genetic diseases. Identifiers: MedGen C0950123, MeSH D030342.
Glycogen storage disease, type V (GSD5). Also called: MCARDLE DISEASE; MUSCLE GLYCOGEN PHOSPHORYLASE DEFICIENCY; MYOPHOSPHORYLASE DEFICIENCY; PYGM DEFICIENCY; McArdle type glycogen storage disease. Identifiers: Orphanet 368, MedGen C0017924, MONDO:0009293, OMIM 232600.

Allele frequency attached by ClinVar (database versions not stated): gnomAD 0.00001; gnomAD exomes 0.00001; TOPMed 0.00001; ExAC 0.00002; ESP Exome Variant Server 0.00008.
gnomAD v4.1: 19 of 1,614,060 alleles (0.0012%); highest among the groups gnomAD compares: Non-Finnish European, 0.0014%; no homozygotes.

Submissions (4):

Ambry Genetics
Classification: Uncertain significance for Inborn genetic diseases. Last evaluated: 2025-05-07. Review status: criteria provided, single submitter. Criteria: Ambry Variant Classification Scheme 2023. Collection method: clinical testing. Allele origin: germline.

Fulgent Genetics
Classification: Uncertain significance for Glycogen storage disease, type V. Last evaluated: 2024-04-22. Review status: criteria provided, single submitter. Criteria: ACMG Guidelines, 2015. Collection method: clinical testing. Allele origin: germline.

GeneDx
Classification: Uncertain significance. Last evaluated: 2022-08-19. Review status: criteria provided, single submitter. Criteria: GeneDx Variant Classification Process June 2021. Collection method: clinical testing. Allele origin: germline. Affected: yes.
Comment: Not observed at significant frequency in large population cohorts (gnomAD); In silico analysis supports that this missense variant does not alter protein structure/function; Has not been previously published as pathogenic or benign to our knowledge

Revvity Omics, Revvity
Classification: Uncertain significance for Glycogen storage disease, type V. Last evaluated: 2022-08-19. Review status: criteria provided, single submitter. Criteria: ACMG Guidelines, 2015. Collection method: clinical testing. Allele origin: germline.